The following is an entry in ClinVar:

NM_001130438.3(SPTAN1):c.5368C>T (p.Leu1790=)

Gene: SPTAN1 (spectrin alpha, non-erythrocytic 1; plus strand). Cytogenetic location: 9q34.11.
Variant type: single nucleotide variant.
Coding change: c.5368C>T on transcript NM_001130438.3 (MANE Select); coding-DNA position 5368, C replaced by T.
Protein change: p.Leu1790=; no amino-acid change (leucine 1790 retained).
Molecular consequence: synonymous variant.
Genome position (GRCh38, 1-based): chr9:128,617,650, C>T. VCF-style: chr9-128617650-C-T. GRCh37 (hg19) VCF-style: chr9-131379929-C-T.
Other names: c.5293C>T, p.Leu1765= (NM_001195532.2, NM_001438441.1, NM_001438444.1); c.5368C>T, p.Leu1790= (NM_001363759.2, NM_001375310.1, NM_001375311.2 and 1 more transcripts); c.5308C>T, p.Leu1770= (NM_001363765.2, NM_001375314.2, NM_001438442.1); c.5404C>T, p.Leu1802= (NM_001375312.2, NM_001375318.1, NM_001438440.1); c.5353C>T, p.Leu1785= (NM_001438443.1, NM_001438445.1, NM_003127.4).
Identifiers: ClinVar variation 5041162 (VCV005041162.1).

ClinVar aggregate classification (germline): Likely benign (1 of 4 stars; one submission).

gnomAD v4.1: 1 of 1,614,056 alleles (0.000062%); highest among the groups gnomAD compares: African/African-American, 0.0013%; no homozygotes.

Submission:

CeGaT Center for Human Genetics Tuebingen
Classification: Likely benign. Last evaluated: 2026-09-01. Review status: criteria provided, single submitter. Criteria: CeGaT Center For Human Genetics Tuebingen Variant Classification Criteria Version 2. Collection method: clinical testing. Allele origin: germline. Affected: yes. Observed: 1 variant allele.
Comment: SPTAN1: BP4, BP7